The following is an entry in ClinVar:

ClinVar aggregate classification (germline): Uncertain significance (1 of 4 stars; one submission).

Conditions:
Hereditary cancer-predisposing syndrome. Also called: Neoplastic Syndromes, Hereditary; Tumor predisposition; Hereditary Cancer Syndrome; Hereditary neoplastic syndrome. Identifiers: Orphanet 140162, MedGen C0027672, MeSH D009386, MONDO:0015356.

Submission:

Ambry Genetics
Classification: Uncertain significance for Hereditary cancer-predisposing syndrome. Last evaluated: 2025-06-20. Review status: criteria provided, single submitter. Criteria: Ambry Variant Classification Scheme 2023. Collection method: clinical testing. Allele origin: germline.
Comment: The p.A741D variant (also known as c.2222C>A), located in coding exon 13 of the ALK gene, results from a C to A substitution at nucleotide position 2222. The alanine at codon 741 is replaced by aspartic acid, an amino acid with dissimilar properties. This amino acid position is highly conserved in available vertebrate species. In addition, this alteration is predicted to be deleterious by in silico analysis. Based on the available evidence, the clinical significance of this variant remains unclear.

NM_004304.5(ALK):c.2222C>A (p.Ala741Asp)

Gene: ALK (ALK receptor tyrosine kinase; minus strand). Cytogenetic location: 2p23.2.
Variant type: single nucleotide variant.
Coding change: c.2222C>A on transcript NM_004304.5 (MANE Select); coding-DNA position 2222, C replaced by A.
Protein change: p.Ala741Asp; replaces alanine 741 with aspartic acid.
Molecular consequence: missense variant.
Genome position (GRCh38, 1-based): chr2:29,239,813, G>T on the plus strand (C>A on the coding strand, the complement: ALK is on the minus strand). VCF-style: chr2-29239813-G-T. GRCh37 (hg19) VCF-style: chr2-29462679-G-T.
Other names: short protein forms A741D.
Identifiers: ClinVar variation 1787948 (VCV001787948.3), dbSNP rs1664477105, ClinGen allele CA346474757.